The following is an entry in ClinVar:

ClinVar aggregate classification (germline): Uncertain significance (1 of 4 stars; one submission).

Submission:

ARUP Laboratories, Molecular Genetics and Genomics, ARUP Laboratories
Classification: Uncertain significance. Last evaluated: 2018-02-26. Review status: criteria provided, single submitter. Criteria: ARUP Molecular Germline Variant Investigation Process. Collection method: clinical testing. Allele origin: germline.
Comment: The F9 c.934T>G; p.Tyr312Asp variant has been reported in at least one individual with hemophilia B (Li 2014). This variant is absent from general population databases (1000 Genomes Project, Exome Variant Server, and Genome Aggregation Database), indicating it is not a common polymorphism. Additionally, another variant at this codon (c.935A>G; p.Tyr312Cys) has been reported in an individual with hemophilia B (Wang 1998). The tyrosine at codon 312 is highly conserved and computational algorithms (SIFT, PolyPhen2) predict that this variant is deleterious. Due to limited information, the clinical significance of this variant cannot be determined with certainty. References: Li T et al. Mutation analysis of a cohort of US patients with hemophilia B. Am J Hematol. 2014 Apr; 89(4): 375-379. Wang Y et al. Four novel point mutations of factor IX gene detected by denaturing gradient gel electrophoresis. Zhonghua Xue Ye Xue Za Zhi. 1998 Mar;19(3):125-8.

NM_000133.4(F9):c.934T>G (p.Tyr312Asp)

Gene: F9 (coagulation factor IX; plus strand). Cytogenetic location: Xq27.1.
Variant type: single nucleotide variant.
Coding change: c.934T>G on transcript NM_000133.4 (MANE Select); coding-DNA position 934, T replaced by G.
Protein change: p.Tyr312Asp; replaces tyrosine 312 with aspartic acid.
Molecular consequence: missense variant.
Genome position (GRCh38, 1-based): chrX:139,561,619, T>G. VCF-style: chrX-139561619-T-G. GRCh37 (hg19) VCF-style: chrX-138643778-T-G.
Other names: c.820T>G, p.Tyr274Asp (NM_001313913.2); short protein forms Y312D, Y274D.
Identifiers: ClinVar variation 618645 (VCV000618645.8), dbSNP rs1569332828, ClinGen allele CA414444845.